The following is an entry in ClinVar:

Conditions:
Breast-ovarian cancer, familial, susceptibility to, 1 (BROVCA1). Also called: BRCA1 Hereditary Breast and Ovarian Cancer; OVARIAN CANCER, SUSCEPTIBILITY TO. Identifiers: Orphanet 145, MedGen C2676676, MONDO:0011450, OMIM 604370. Disease mechanism: loss of function.

Submission:

Brotman Baty Institute, University of Washington
No classification provided (evidence only). Condition: Breast-ovarian cancer, familial 1. Review status: no classification provided. Collection method: in vitro. Allele origin: not applicable. Functional consequence: functionally_normal.
ClinVar note: "not provided" was previously submitted as the classification for the variant. However, the classification appeared to be based only on an observation of functional data so it was converted to no classification on 2025-07-30.

NM_007294.4(BRCA1):c.5137G>C (p.Val1713Leu)

Gene: BRCA1 (BRCA1 DNA repair associated; minus strand). Cytogenetic location: 17q21.31.
Variant type: single nucleotide variant.
Coding change: c.5137G>C on transcript NM_007294.4 (MANE Select); coding-DNA position 5137, G replaced by C.
Protein change: p.Val1713Leu; replaces valine 1713 with leucine.
Molecular consequence: missense variant. On other transcripts: non-coding transcript variant (1).
Genome position (GRCh38, 1-based): chr17:43,063,889, C>G on the plus strand (G>C on the coding strand, the complement: BRCA1 is on the minus strand). VCF-style: chr17-43063889-C-G. GRCh37 (hg19) VCF-style: chr17-41215906-C-G.
Other names: c.4924G>C, p.Val1642Leu (NM_001407571.1, NM_001407894.1, NM_001407895.1 and 12 more transcripts); c.5203G>C, p.Val1735Leu (NM_001407581.1, NM_001407582.1); c.5200G>C, p.Val1734Leu (NM_001407583.1, NM_001407585.1, NM_001407587.1 and 1 more transcripts); c.5197G>C, p.Val1733Leu (NM_001407590.1, NM_001407591.1); c.5137G>C, p.Val1713Leu (NM_001407593.1, NM_001407594.1, NM_001407596.1 and 7 more transcripts); c.5134G>C, p.Val1712Leu (NM_001407620.1, NM_001407621.1, NM_001407622.1 and 17 more transcripts); c.5131G>C, p.Val1711Leu (NM_001407627.1, NM_001407628.1, NM_001407639.1 and 14 more transcripts); c.5128G>C, p.Val1710Leu (NM_001407644.1, NM_001407645.1); and 71 more; short protein forms V1734L, V609L, V1666L, V1713L, V1416L, V1584L, V1601L, V1641L.
Identifiers: ClinVar variation 868699 (VCV000868699.3), dbSNP rs1064793309, ClinGen allele CA10591267.
Genomic context (GRCh38, chr17:43,063,889, plus strand): 5'-TCTGAGGTGTTAAAGGGAGGAGGGGAGAAATAGTATTATACTTACAGAAATAGCTAACTA[C>G]CCATTTTCCTCCCGCAATTCCTAGAAAATATTTCAGTGTCCGTTCACACACAAACTCAGC-3'
Protein context (NP_009225.1, residues 1703-1723): YFLGIAGGKW[Val1713Leu]VSYFWVTQSI